The following is an entry in ClinVar:

NM_002227.4(JAK1):c.1534T>A (p.Ser512Thr)

Gene: JAK1 (Janus kinase 1; minus strand). Cytogenetic location: 1p31.3.
Variant type: single nucleotide variant.
Coding change: c.1534T>A on transcript NM_002227.4 (MANE Select); coding-DNA position 1534, T replaced by A.
Protein change: p.Ser512Thr; replaces serine 512 with threonine.
Molecular consequence: missense variant.
Genome position (GRCh38, 1-based): chr1:64,855,623, A>T on the plus strand (T>A on the coding strand, the complement: JAK1 is on the minus strand). VCF-style: chr1-64855623-A-T. GRCh37 (hg19) VCF-style: chr1-65321306-A-T.
Other names: c.1534T>A, p.Ser512Thr (NM_001320923.2, NM_001321852.2, NM_001321853.2 and 3 more transcripts); c.1531T>A, p.Ser511Thr (NM_001321857.2); short protein forms S512T, S511T.
Identifiers: ClinVar variation 1419449 (VCV001419449.8), dbSNP rs2101050471, ClinGen allele CA340669549.

ClinVar aggregate classification (germline): Uncertain significance (1 of 4 stars; one submission).

Allele frequency attached by ClinVar (database versions not stated): gnomAD exomes below 0.00001.
gnomAD v4.1: 2 of 1,614,140 alleles (0.00012%); highest among the groups gnomAD compares: Non-Finnish European, 0.00017%; no homozygotes.

Submission:

Labcorp Genetics (formerly Invitae), Labcorp
Classification: Uncertain significance. Last evaluated: 2022-01-15. Review status: criteria provided, single submitter. Criteria: Invitae Variant Classification Sherloc (09022015). Collection method: clinical testing. Allele origin: germline.
Comment: In summary, the available evidence is currently insufficient to determine the role of this variant in disease. Therefore, it has been classified as a Variant of Uncertain Significance. Algorithms developed to predict the effect of missense changes on protein structure and function are either unavailable or do not agree on the potential impact of this missense change (SIFT: "Not Available"; PolyPhen-2: "Benign"; Align-GVGD: "Not Available"). This variant has not been reported in the literature in individuals affected with JAK1-related conditions. This variant is not present in population databases (gnomAD no frequency). This sequence change replaces serine, which is neutral and polar, with threonine, which is neutral and polar, at codon 512 of the JAK1 protein (p.Ser512Thr).